The following is an entry in ClinVar:

ClinVar aggregate classification (germline): Uncertain significance. Review status: criteria provided, multiple submitters, no conflicts (2 of 4 stars). 7 submissions from 7 submitters: Uncertain significance (7). Last evaluated 2025-10-19.

Conditions:
Cardiovascular phenotype. Identifiers: MedGen CN230736.
Catecholaminergic polymorphic ventricular tachycardia 2. Also called: CASQ2-Related Catecholaminergic Polymorphic Ventricular Tachycardia; VENTRICULAR TACHYCARDIA, STRESS-INDUCED POLYMORPHIC 2. Identifiers: Orphanet 3286, MedGen C2677794, MONDO:0012762, OMIM 611938.
Catecholaminergic polymorphic ventricular tachycardia 1. Also called: RYR2-Related Catecholaminergic Polymorphic Ventricular Tachycardia; VENTRICULAR TACHYCARDIA, STRESS-INDUCED POLYMORPHIC 1; VENTRICULAR TACHYCARDIA, CATECHOLAMINERGIC POLYMORPHIC, 1, WITH OR WITHOUT ATRIAL DYSFUNCTION AND/OR DILATED CARDIOMYOPATHY. Identifiers: Orphanet 3286, MedGen C1631597, MONDO:0011484, OMIM 604772.

Allele frequency attached by ClinVar (database versions not stated): ExAC 0.00002; gnomAD 0.00003; gnomAD exomes 0.00003; TOPMed 0.00003; ESP Exome Variant Server 0.00008.
gnomAD v4.1: 53 of 1,612,954 alleles (0.0033%); highest among the groups gnomAD compares: Middle Eastern, 0.05%; no homozygotes.

Submissions (7):

Labcorp Genetics (formerly Invitae), Labcorp
Classification: Uncertain significance for Catecholaminergic polymorphic ventricular tachycardia 1. Last evaluated: 2025-10-19. Review status: criteria provided, single submitter. Criteria: Invitae Variant Classification Sherloc (09022015). Collection method: clinical testing. Allele origin: germline.
Comment: This sequence change replaces tyrosine, which is neutral and polar, with cysteine, which is neutral and slightly polar, at codon 217 of the CASQ2 protein (p.Tyr217Cys). This variant is present in population databases (rs373227317, gnomAD 0.009%). This variant has not been reported in the literature in individuals affected with CASQ2-related conditions. ClinVar contains an entry for this variant (Variation ID: 1024721). Invitae Evidence Modeling of protein sequence and biophysical properties (such as structural, functional, and spatial information, amino acid conservation, physicochemical variation, residue mobility, and thermodynamic stability) has been performed for this missense variant. However, the output from this modeling did not meet the statistical confidence thresholds required to predict the impact of this variant on CASQ2 protein function. In summary, the available evidence is currently insufficient to determine the role of this variant in disease. Therefore, it has been classified as a Variant of Uncertain Significance.

Ambry Genetics
Classification: Uncertain significance for Cardiovascular phenotype. Last evaluated: 2025-05-24. Review status: criteria provided, single submitter. Criteria: Ambry Variant Classification Scheme 2023. Collection method: clinical testing. Allele origin: germline.
Comment: The p.Y217C variant (also known as c.650A>G), located in coding exon 6 of the CASQ2 gene, results from an A to G substitution at nucleotide position 650. The tyrosine at codon 217 is replaced by cysteine, an amino acid with highly dissimilar properties. This amino acid position is highly conserved in available vertebrate species. In addition, this alteration is predicted to be deleterious by in silico analysis. Since supporting evidence is limited at this time, the clinical significance of this alteration remains unclear.

Blueprint Genetics
Classification: Uncertain significance. Last evaluated: 2024-09-19. Review status: criteria provided, single submitter. Criteria: ACMG Guidelines, 2015. Collection method: clinical testing. Allele origin: germline.

Genome-Nilou Lab
Classification: Uncertain significance for Catecholaminergic polymorphic ventricular tachycardia 2. Last evaluated: 2023-04-11. Review status: criteria provided, single submitter. Criteria: ACMG Guidelines, 2015. Collection method: clinical testing. Allele origin: germline. Affected: no.

Women's Health and Genetics/Laboratory Corporation of America, LabCorp
Classification: Uncertain significance. Last evaluated: 2022-01-24. Review status: criteria provided, single submitter. Criteria: LabCorp Variant Classification Summary - May 2015. Collection method: clinical testing. Allele origin: germline.
Comment: Variant summary: CASQ2 c.650A>G (p.Tyr217Cys) results in a non-conservative amino acid change located in the Calsequestrin, middle TRX-fold domain (IPR041858) of the encoded protein sequence. Five of five in-silico tools predict a damaging effect of the variant on protein function. The variant allele was found at a frequency of 2.8e-05 in 251158 control chromosomes (gnomAD). The available data on variant occurrences in the general population are insufficient to allow any conclusion about variant significance. To our knowledge, no occurrence of c.650A>G in individuals affected with Catecholaminergic Polymorphic Ventricular Tachycardia and no experimental evidence demonstrating its impact on protein function have been reported. One clinical diagnostic laboratory has submitted clinical-significance assessments for this variant to ClinVar after 2014 and classified the variant as uncertain significance. Based on the evidence outlined above, the variant was classified as uncertain significance.

Revvity Omics, Revvity
Classification: Uncertain significance for Catecholaminergic polymorphic ventricular tachycardia 2. Last evaluated: 2020-10-26. Review status: criteria provided, single submitter. Criteria: ACMG Guidelines, 2015. Collection method: clinical testing. Allele origin: germline.

Breakthrough Genomics
Classification: Uncertain significance. Review status: criteria provided, single submitter. Criteria: ACMG Guidelines, 2015. Collection method: not provided. Allele origin: germline. Inheritance: Autosomal recessive inheritance. Affected: yes.

NM_001232.4(CASQ2):c.650A>G (p.Tyr217Cys)

Gene: CASQ2 (calsequestrin 2; minus strand). Cytogenetic location: 1p13.1.
Variant type: single nucleotide variant.
Coding change: c.650A>G on transcript NM_001232.4 (MANE Select); coding-DNA position 650, A replaced by G.
Protein change: p.Tyr217Cys; replaces tyrosine 217 with cysteine.
Molecular consequence: missense variant.
Genome position (GRCh38, 1-based): chr1:115,727,079, T>C on the plus strand (A>G on the coding strand, the complement: CASQ2 is on the minus strand). VCF-style: chr1-115727079-T-C. GRCh37 (hg19) VCF-style: chr1-116269700-T-C.
Other names: short protein forms Y217C.
Identifiers: ClinVar variation 1024721 (VCV001024721.19), dbSNP rs373227317, ClinGen allele CA1023825.